The following is an entry in ClinVar:

NM_001378457.1(DMXL2):c.2723A>G (p.His908Arg)

Gene: DMXL2 (Dmx like 2; minus strand). Cytogenetic location: 15q21.2.
Variant type: single nucleotide variant.
Coding change: c.2723A>G on transcript NM_001378457.1 (MANE Select); coding-DNA position 2723, A replaced by G.
Protein change: p.His908Arg; replaces histidine 908 with arginine.
Molecular consequence: missense variant. On other transcripts: non-coding transcript variant (2).
Genome position (GRCh38, 1-based): chr15:51,507,175, T>C on the plus strand (A>G on the coding strand, the complement: DMXL2 is on the minus strand). VCF-style: chr15-51507175-T-C. GRCh37 (hg19) VCF-style: chr15-51799372-T-C.
Other names: c.2723A>G, p.His908Arg (NM_001174116.3, NM_001174117.3, NM_001378458.1 and 6 more transcripts); c.2483A>G, p.His828Arg (NM_001378464.1); short protein forms H828R, H908R.
Identifiers: ClinVar variation 4775243 (VCV004775243.1).

ClinVar aggregate classification (germline): Uncertain significance (1 of 4 stars; one submission).

gnomAD v4.1: 17 of 1,611,312 alleles (0.0011%); highest among the groups gnomAD compares: African/African-American, 0.0013%; no homozygotes.

Submission:

Labcorp Genetics (formerly Invitae), Labcorp
Classification: Uncertain significance. Last evaluated: 2025-07-07. Review status: criteria provided, single submitter. Criteria: Invitae Variant Classification Sherloc (09022015). Collection method: clinical testing. Allele origin: germline.
Comment: This sequence change replaces histidine, which is basic and polar, with arginine, which is basic and polar, at codon 908 of the DMXL2 protein (p.His908Arg). This variant is present in population databases (rs761032626, gnomAD 0.01%). This variant has not been reported in the literature in individuals affected with DMXL2-related conditions. An algorithm developed to predict the effect of missense changes on protein structure and function (PolyPhen-2) suggests that this variant is likely to be tolerated. In summary, the available evidence is currently insufficient to determine the role of this variant in disease. Therefore, it has been classified as a Variant of Uncertain Significance.